The following is an entry in ClinVar:

ClinVar aggregate classification (germline): Likely pathogenic (1 of 4 stars; one submission).

Conditions:
Cohen syndrome (COH1). Also called: PEPPER SYNDROME; Cutis verticis gyrata, retinitis pigmentosa, and sensorineural deafness. Identifiers: Orphanet 193, MedGen C0265223, MONDO:0008999, OMIM 216550.

Submission:

Natera, Inc.
Classification: Likely pathogenic for Cohen syndrome. Last evaluated: 2025-08-10. Review status: criteria provided, single submitter. Criteria: Natera Variant Classification Schema (03/2026). Collection method: clinical testing. Allele origin: germline.
Comment: The c.7513C>T variant in VPS13B is a nonsense variant predicted to introduce a stop codon at amino acid 2505. This variant is expected to result in nonsense mediated decay, truncation, or a dysfunctional protein product. This variant is rare in the general population with a frequency below the threshold expected for the associated phenotype(s). Given the available evidence, this variant is classified as Likely Pathogenic.

NM_152564.5(VPS13B):c.7438C>T (p.Gln2480Ter)

Gene: VPS13B (vacuolar protein sorting 13 homolog B; plus strand). Cytogenetic location: 8q22.2.
Variant type: single nucleotide variant.
Coding change: c.7438C>T on transcript NM_152564.5 (MANE Select); coding-DNA position 7438, C replaced by T.
Protein change: p.Gln2480Ter; replaces glutamine 2480 with a stop codon.
Molecular consequence: nonsense.
Genome position (GRCh38, 1-based): chr8:99,778,690, C>T. VCF-style: chr8-99778690-C-T. GRCh37 (hg19) VCF-style: chr8-100790918-C-T.
Other names: c.7513C>T, p.Gln2505Ter (NM_017890.5); short protein forms Q2480*, Q2505*.
Identifiers: ClinVar variation 4815973 (VCV004815973.1).